The following is an entry in ClinVar:

ClinVar aggregate classification (germline): Uncertain significance (1 of 4 stars; one submission).

Allele frequency attached by ClinVar (database versions not stated): gnomAD exomes below 0.00001.
gnomAD v4.1: 1 of 1,609,368 alleles (0.000062%); highest among the groups gnomAD compares: Non-Finnish European, 0.000085%; no homozygotes.

Submission:

GeneDx
Classification: Uncertain significance. Last evaluated: 2017-01-19. Review status: criteria provided, single submitter. Criteria: GeneDx Variant Classification (06012015). Collection method: clinical testing. Allele origin: germline. Affected: yes.
Comment: A variant of uncertain significance has been identified in the CACNA1C gene. The A71T variant has not been published as pathogenic or been reported as benign to our knowledge. This variant is not observed in large population cohorts (Lek et al., 2016; 1000 Genomes Consortium et al., 2015; Exome Variant Server). The A71T variant is a non-conservative amino acid substitution, which is likely to impact secondary protein structure as these residues differ in polarity, charge, size and/or other properties. However, this substitution occurs at a position that is not conserved across species. Furthermore, 2/3 in silico algorithms predict this variant likely does not alter the protein structure/function.

NM_000719.7(CACNA1C):c.211G>A (p.Ala71Thr)

Gene: CACNA1C (calcium voltage-gated channel subunit alpha1 C; plus strand). Cytogenetic location: 12p13.33.
Variant type: single nucleotide variant.
Coding change: c.211G>A on transcript NM_000719.7 (MANE Select); coding-DNA position 211, G replaced by A.
Protein change: p.Ala71Thr; replaces alanine 71 with threonine.
Molecular consequence: missense variant.
Genome position (GRCh38, 1-based): chr12:2,115,385, G>A. VCF-style: chr12-2115385-G-A. GRCh37 (hg19) VCF-style: chr12-2224551-G-A.
Other names: c.211G>A, p.Ala71Thr (NM_001129827.2, NM_001129829.2, NM_001129830.3 and 19 more transcripts); short protein forms A71T.
Identifiers: ClinVar variation 423109 (VCV000423109.2), dbSNP rs1064796234, ClinGen allele CA16619496.